The following is an entry in ClinVar:

NM_000138.5(FBN1):c.2140G>A (p.Gly714Arg)

Gene: FBN1 (fibrillin 1; minus strand). Cytogenetic location: 15q21.1.
Variant type: single nucleotide variant.
Coding change: c.2140G>A on transcript NM_000138.5 (MANE Select); coding-DNA position 2140, G replaced by A.
Protein change: p.Gly714Arg; replaces glycine 714 with arginine.
Molecular consequence: missense variant.
Genome position (GRCh38, 1-based): chr15:48,499,012, C>T on the plus strand (G>A on the coding strand, the complement: FBN1 is on the minus strand). VCF-style: chr15-48499012-C-T. GRCh37 (hg19) VCF-style: chr15-48791209-C-T.
Other names: short protein forms G714R.
Identifiers: ClinVar variation 834873 (VCV000834873.12), dbSNP rs1566912644, ClinGen allele CA392336255.

ClinVar aggregate classification (germline): Uncertain significance. Review status: criteria provided, multiple submitters, no conflicts (2 of 4 stars). 3 submissions from 3 submitters: Uncertain significance (3). Last evaluated 2025-12-22.

Conditions:
Familial thoracic aortic aneurysm and aortic dissection (TAAD). Also called: Thoracic aortic aneurysms and dissections. Identifiers: Orphanet 91387, MedGen C4707243, MONDO:0019625.
Marfan syndrome (MFS). Also called: FBN1-Related Marfan Syndrome; Marfan's syndrome; MARFAN SYNDROME, TYPE I; Marfan syndrome type 1; Marfan syndrome, classic. Identifiers: Orphanet 284963, Orphanet 558, MedGen C0024796, MONDO:0007947, OMIM 154700.

Submissions (3):

Labcorp Genetics (formerly Invitae), Labcorp
Classification: Uncertain significance for Marfan syndrome; Familial thoracic aortic aneurysm and aortic dissection. Last evaluated: 2025-12-22. Review status: criteria provided, single submitter. Criteria: Invitae Variant Classification Sherloc (09022015). Collection method: clinical testing. Allele origin: germline.
Comment: This sequence change replaces glycine, which is neutral and non-polar, with arginine, which is basic and polar, at codon 714 of the FBN1 protein (p.Gly714Arg). This variant is not present in population databases (gnomAD no frequency). This missense change has been observed in individual(s) with clinical features of FBN1-related conditions (internal data). ClinVar contains an entry for this variant (Variation ID: 834873). Invitae Evidence Modeling of protein sequence and biophysical properties (such as structural, functional, and spatial information, amino acid conservation, physicochemical variation, residue mobility, and thermodynamic stability) indicates that this missense variant is expected to disrupt FBN1 protein function with a positive predictive value of 95%. Algorithms developed to predict the effect of sequence changes on RNA splicing suggest that this variant may disrupt the consensus splice site. In summary, the available evidence is currently insufficient to determine the role of this variant in disease. Therefore, it has been classified as a Variant of Uncertain Significance.

Women's Health and Genetics/Laboratory Corporation of America, LabCorp
Classification: Uncertain significance. Last evaluated: 2025-06-03. Review status: criteria provided, single submitter. Criteria: LabCorp Variant Classification Summary - May 2015. Collection method: clinical testing. Allele origin: germline.
Comment: Variant summary: FBN1 c.2140G>A (p.Gly714Arg) results in a non-conservative amino acid change in the encoded protein sequence. Algorithms developed to predict the effect of missense changes on protein structure and function all suggest that this variant is likely to be disruptive. The variant was absent in 251490 control chromosomes. The available data on variant occurrences in the general population are insufficient to allow any conclusion about variant significance. c.2140G>A has been observed in individual(s) with clinical features of FBN1-related conditions (Internal data). These data do not allow any conclusion about variant significance. To our knowledge, no experimental evidence demonstrating an impact on protein function has been reported. ClinVar contains an entry for this variant (Variation ID: 834873). Based on the evidence outlined above, the variant was classified as uncertain significance.

Ambry Genetics
Classification: Uncertain significance for Familial thoracic aortic aneurysm and aortic dissection. Last evaluated: 2025-01-14. Review status: criteria provided, single submitter. Criteria: Ambry Variant Classification Scheme 2023. Collection method: clinical testing. Allele origin: germline.
Comment: The p.G714R variant (also known as c.2140G>A), located in coding exon 17 of the FBN1 gene, results from a G to A substitution at nucleotide position 2140. The glycine at codon 714 is replaced by arginine, an amino acid with dissimilar properties. This amino acid position is highly conserved in available vertebrate species. In addition, this alteration is predicted to be deleterious by in silico analysis. Based on the available evidence, the clinical significance of this variant remains unclear.